The following is an entry in ClinVar:

ClinVar aggregate classification (germline): Pathogenic (1 of 4 stars; one submission).

Conditions:
Nemaline myopathy 8 (NEM8). Also called: Nemaline myopathy 8, autosomal recessive. Identifiers: Orphanet 171430, MedGen C3809209, MONDO:0014138, OMIM 615348.

gnomAD v4.1: 1 of 1,612,414 alleles (0.000062%); no homozygotes.

Submission:

Labcorp Genetics (formerly Invitae), Labcorp
Classification: Pathogenic for Nemaline myopathy 8. Last evaluated: 2022-03-25. Review status: criteria provided, single submitter. Criteria: Invitae Variant Classification Sherloc (09022015). Collection method: clinical testing. Allele origin: germline.
Comment: This sequence change creates a premature translational stop signal (p.Ser92*) in the KLHL40 gene. It is expected to result in an absent or disrupted protein product. Loss-of-function variants in KLHL40 are known to be pathogenic (PMID: 23746549). For these reasons, this variant has been classified as Pathogenic. This variant has not been reported in the literature in individuals affected with KLHL40-related conditions. This variant is present in population databases (no rsID available, gnomAD no frequency).

Literature cited by the submitters: PubMed 23746549.

NM_152393.4(KLHL40):c.275C>G (p.Ser92Ter)

Gene: KLHL40 (kelch like family member 40; plus strand). Cytogenetic location: 3p22.1.
Variant type: single nucleotide variant.
Coding change: c.275C>G on transcript NM_152393.4 (MANE Select); coding-DNA position 275, C replaced by G.
Protein change: p.Ser92Ter; replaces serine 92 with a stop codon.
Molecular consequence: nonsense.
Genome position (GRCh38, 1-based): chr3:42,685,893, C>G. VCF-style: chr3-42685893-C-G. GRCh37 (hg19) VCF-style: chr3-42727385-C-G.
Other names: short protein forms S92*.
Identifiers: ClinVar variation 1971874 (VCV001971874.5), dbSNP rs924279167, ClinGen allele CA74191689.
Genomic context (GRCh38, chr3:42,685,893, plus strand): 5'-TGCACCTGGAGGAGGTGTCCCCGGACGTGGTGGCCCAGGTGCTGCACTACCTGTACACAT[C>G]AGAGATCGCGCTGGATGAGGCGAGCGTGCAGGATTTGTTCGCCGCGGCACACCGCTTCCA-3'